The following is an entry in ClinVar:

ClinVar aggregate classification (germline): Uncertain significance (1 of 4 stars; one submission).

Conditions:
Charcot-Marie-Tooth disease type 2. Also called: Charcot-Marie-Tooth type 2. Identifiers: Orphanet 64746, MedGen C0270914, MONDO:0018993.

gnomAD v4.1: 1 of 1,614,160 alleles (0.000062%); highest among the groups gnomAD compares: Non-Finnish European, 0.000085%; no homozygotes.

Submission:

Labcorp Genetics (formerly Invitae), Labcorp
Classification: Uncertain significance for Charcot-Marie-Tooth disease type 2. Last evaluated: 2025-12-02. Review status: criteria provided, single submitter. Criteria: Invitae Variant Classification Sherloc (09022015). Collection method: clinical testing. Allele origin: germline.
Comment: This sequence change replaces tryptophan, which is neutral and slightly polar, with cysteine, which is neutral and slightly polar, at codon 352 of the BSCL2 protein (p.Trp352Cys). This variant is not present in population databases (gnomAD no frequency). This variant has not been reported in the literature in individuals affected with BSCL2-related conditions. An algorithm developed to predict the effect of missense changes on protein structure and function (PolyPhen-2) suggests that this variant is likely to be disruptive. In summary, the available evidence is currently insufficient to determine the role of this variant in disease. Therefore, it has been classified as a Variant of Uncertain Significance.

NM_001122955.4(BSCL2):c.1248G>C (p.Trp416Cys)

Genes: BSCL2 (BSCL2 lipid droplet biogenesis associated, seipin; minus strand), HNRNPUL2-BSCL2 (HNRNPUL2-BSCL2 readthrough (NMD candidate); minus strand). Cytogenetic location: 11q12.3.
Variant type: single nucleotide variant.
Coding change: c.1248G>C on transcript NM_001122955.4 (MANE Select); coding-DNA position 1248, G replaced by C.
Protein change: p.Trp416Cys; replaces tryptophan 416 with cysteine.
Molecular consequence: missense variant. On other transcripts: non-coding transcript variant (1), 3 prime UTR variant (1).
Genome position (GRCh38, 1-based): chr11:62,690,508, C>G on the plus strand (G>C on the coding strand, the complement: BSCL2 is on the minus strand). VCF-style: chr11-62690508-C-G. GRCh37 (hg19) VCF-style: chr11-62457980-C-G.
Other names: c.*50G>C (NM_001130702.2); c.1254G>C, p.Trp418Cys (NM_001386027.1); c.1248G>C, p.Trp416Cys (NM_001386028.1); c.1056G>C, p.Trp352Cys (NM_032667.6); short protein forms W418C, W352C, W416C.
Identifiers: ClinVar variation 4743036 (VCV004743036.1).
Genomic context (GRCh38, chr11:62,690,508, plus strand): 5'-AGAAGCAGAAGCAGGAGCAGGAGCAGGCAGGTTGGCCTCCGTCAGCAAAGCTGCATCTTC[C>G]CAGGAGCCTGAACCTGGGCCAGGAAAGGGAAAAACAAAATCTCAAATGGGATATTAGATT-3'
Protein context (NP_001116427.1, residues 406-426): EPEASDGSGS[Trp416Cys]EDAALLTEAN